The following is an entry in ClinVar:

NM_015272.5(RPGRIP1L):c.633-10T>C

Gene: RPGRIP1L (RPGRIP1 like; minus strand). Cytogenetic location: 16q12.2.
Variant type: single nucleotide variant.
Coding change: c.633-10T>C on transcript NM_015272.5 (MANE Select); 10 bases into the intron before coding-DNA position 633, T replaced by C.
Molecular consequence: intron variant.
Genome position (GRCh38, 1-based): chr16:53,686,586, A>G on the plus strand (T>C on the coding strand, the complement: RPGRIP1L is on the minus strand). VCF-style: chr16-53686586-A-G. GRCh37 (hg19) VCF-style: chr16-53720498-A-G.
Other names: c.633-10T>C (NM_001127897.4, NM_001330538.2, NM_001308334.3).
Identifiers: ClinVar variation 4991802 (VCV004991802.1).

ClinVar aggregate classification (germline): Likely benign (1 of 4 stars; one submission).

Conditions:
RPGRIP1L-related disorder. Also called: RPGRIP1L-related condition; RPGRIP1L-related disorders. Identifiers: MedGen CN239416.

Submission:

PreventionGenetics, part of Exact Sciences
Classification: Likely benign for RPGRIP1L-related condition. Last evaluated: 2025-11-25. Review status: criteria provided, single submitter. Criteria: ACMG Guidelines, 2015. Collection method: clinical testing. Allele origin: germline.
Comment: This variant is classified as likely benign based on ACMG/AMP sequence variant interpretation guidelines (Richards et al. 2015 PMID: 25741868, with internal and published modifications).